The following is an entry in ClinVar:

ClinVar aggregate classification (germline): Likely benign (1 of 4 stars; one submission).

Conditions:
Familial infantile myoclonic epilepsy (FIME). Also called: TBC1D24-Related Familial Infantile Myoclonic Epilepsy (FIME); Epilepsy, Myoclonic, Infantile. Identifiers: Orphanet 352582, MedGen C0917800, MONDO:0011506, OMIM 605021.

Allele frequency attached by ClinVar (database versions not stated): 1000 Genomes Project 30x 0.00344; gnomAD 0.00379 and 0.00402; 1000 Genomes Project 0.00319; TOPMed 0.00427.

Submission:

Illumina Laboratory Services, Illumina
Classification: Likely benign for Familial infantile myoclonic epilepsy. Last evaluated: 2018-01-13. Review status: criteria provided, single submitter. Criteria: ICSL Variant Classification Criteria 13 December 2019. Collection method: clinical testing. Allele origin: germline.
Comment: This variant was observed in the ICSL laboratory as part of a predisposition screen in an ostensibly healthy population. It had not been previously curated by ICSL or reported in the Human Gene Mutation Database (HGMD: prior to June 1st, 2018), and was therefore a candidate for classification through an automated scoring system. Utilizing variant allele frequency, disease prevalence and penetrance estimates, and inheritance mode, an automated score was calculated to assess if this variant is too frequent to cause the disease. Based on the score and internal cut-off values, a variant classified as likely benign is not then subjected to further curation. The score for this variant resulted in a classification of likely benign for this disease.

NM_001199107.2(TBC1D24):c.*3235T>G

Gene: TBC1D24 (TBC1 domain family member 24; plus strand). Cytogenetic location: 16p13.3.
Variant type: single nucleotide variant.
Coding change: c.*3235T>G on transcript NM_001199107.2 (MANE Select); 3235 bases downstream of the stop codon, T replaced by G.
Molecular consequence: 3 prime UTR variant.
Genome position (GRCh38, 1-based): chr16:2,504,193, T>G. VCF-style: chr16-2504193-T-G. GRCh37 (hg19) VCF-style: chr16-2554194-T-G.
Other names: c.*3235T>G (NM_020705.3).
Identifiers: ClinVar variation 885581 (VCV000885581.4), dbSNP rs187125185, ClinGen allele CA276810550.
Genomic context (GRCh38, chr16:2,504,193, plus strand): 5'-TGGAATTTGTTTTAAAACGTTTTGAAGATTTCAGAGGCCTTCATATTTCTCTTATCCACT[T>G]TCTGAACCCATAAAGCCTTTGCAGTCTCCTTGAGTAGTTTATATTTAGTAATTTAGTTGT-3'